The following is an entry in ClinVar:

ClinVar aggregate classification (germline): Uncertain significance (1 of 4 stars; one submission).

Conditions:
Hereditary cancer-predisposing syndrome. Also called: Neoplastic Syndromes, Hereditary; Tumor predisposition; Hereditary Cancer Syndrome; Hereditary neoplastic syndrome. Identifiers: Orphanet 140162, MedGen C0027672, MeSH D009386, MONDO:0015356.

Submission:

Ambry Genetics
Classification: Uncertain significance for Hereditary cancer-predisposing syndrome. Last evaluated: 2026-01-10. Review status: criteria provided, single submitter. Criteria: Ambry Variant Classification Scheme 2023. Collection method: clinical testing. Allele origin: germline.
Comment: The p.S912C variant (also known as c.2735C>G), located in coding exon 23 of the EGFR gene, results from a C to G substitution at nucleotide position 2735. The serine at codon 912 is replaced by cysteine, an amino acid with dissimilar properties. This amino acid position is conserved. In addition, the in silico prediction for this alteration is inconclusive. Based on the available evidence, the clinical significance of this variant remains unclear.

NM_005228.5(EGFR):c.2735C>G (p.Ser912Cys)

Gene: EGFR (epidermal growth factor receptor; plus strand). Cytogenetic location: 7p11.2.
Variant type: single nucleotide variant.
Coding change: c.2735C>G on transcript NM_005228.5 (MANE Select); coding-DNA position 2735, C replaced by G.
Protein change: p.Ser912Cys; replaces serine 912 with cysteine.
Molecular consequence: missense variant.
Genome position (GRCh38, 1-based): chr7:55,198,750, C>G. VCF-style: chr7-55198750-C-G. GRCh37 (hg19) VCF-style: chr7-55266443-C-G.
Other names: c.2600C>G, p.Ser867Cys (NM_001346897.2, NM_001346899.2); c.2735C>G, p.Ser912Cys (NM_001346898.2); c.2576C>G, p.Ser859Cys (NM_001346900.2); c.1934C>G, p.Ser645Cys (NM_001346941.2); short protein forms S912C, S645C, S867C, S859C.
Identifiers: ClinVar variation 4842927 (VCV004842927.1).